The following is an entry in ClinVar:

NM_000089.4(COL1A2):c.3603A>T (p.Glu1201Asp)

Gene: COL1A2 (collagen type I alpha 2 chain; plus strand). Cytogenetic location: 7q21.3.
Variant type: single nucleotide variant.
Coding change: c.3603A>T on transcript NM_000089.4 (MANE Select); coding-DNA position 3603, A replaced by T.
Protein change: p.Glu1201Asp; replaces glutamic acid 1201 with aspartic acid.
Molecular consequence: missense variant.
Genome position (GRCh38, 1-based): chr7:94,428,369, A>T. VCF-style: chr7-94428369-A-T. GRCh37 (hg19) VCF-style: chr7-94057681-A-T.
Other names: short protein forms E1201D.
Identifiers: ClinVar variation 5009902 (VCV005009902.1).

ClinVar aggregate classification (germline): Uncertain significance (1 of 4 stars; one submission).

Submission:

GeneDx
Classification: Uncertain significance. Last evaluated: 2026-02-20. Review status: criteria provided, single submitter. Criteria: GeneDx Variant Classification Process June 2021. Collection method: clinical testing. Allele origin: germline.
Comment: Not observed at significant frequency in large population cohorts (gnomAD); In silico analysis suggests that this missense variant does not alter protein structure/function; Has not been previously published as pathogenic or benign to our knowledge; Not located in the triple helical region, where the majority of pathogenic missense variants occur (HGMD)